The following is an entry in ClinVar:

NM_017849.4(TMEM127):c.129G>A (p.Ala43=)

Gene: TMEM127 (transmembrane protein 127; minus strand). Cytogenetic location: 2q11.2.
Variant type: single nucleotide variant.
Coding change: c.129G>A on transcript NM_017849.4 (MANE Select); coding-DNA position 129, G replaced by A.
Protein change: p.Ala43=; no amino-acid change (alanine 43 retained).
Molecular consequence: synonymous variant.
Genome position (GRCh38, 1-based): chr2:96,265,253, C>T on the plus strand (G>A on the coding strand, the complement: TMEM127 is on the minus strand). VCF-style: chr2-96265253-C-T. GRCh37 (hg19) VCF-style: chr2-96930991-C-T.
Other names: c.129G>A, p.Ala43= (NM_001193304.3); c.129G>A (NM_017849.3).
Identifiers: ClinVar variation 1145124 (VCV001145124.11), dbSNP rs1478096731, ClinGen allele CA427496351.
Genomic context (GRCh38, chr2:96,265,253, plus strand): 5'-GCGCGAACAGGTGCCTCCGTGGATGTGCAACCAGGCGGGCTCGGCGAGGGCAGTGCACAG[C>T]GCCGTGATAGACAGGGCGCCAGGCAGGGCCGAGGCCAGGCTACGCTCCGGCTGCTTGGGC-3'
Protein context (NP_060319.1, residues 33-53): SALPGALSIT[Ala43=]LCTALAEPAW

ClinVar aggregate classification (germline): Benign/Likely benign. Review status: criteria provided, multiple submitters, no conflicts (2 of 4 stars). 3 submissions from 3 submitters: Benign (1); Likely benign (2). Last evaluated 2026-07-29.

Conditions:
Hereditary pheochromocytoma and paraganglioma. Also called: Hereditary paragangliomas and pheochromocytomas; Hereditary Paraganglioma-Pheochromocytoma Syndromes; Hereditary pheochromocytoma-paraganglioma. Identifiers: Orphanet 29072, MedGen C4274332, MONDO:0017366.
Hereditary cancer-predisposing syndrome. Also called: Hereditary Cancer Syndrome; Hereditary neoplastic syndrome; Neoplastic Syndromes, Hereditary; Tumor predisposition. Identifiers: Orphanet 140162, MedGen C0027672, MeSH D009386, MONDO:0015356.

Allele frequency attached by ClinVar (database versions not stated): gnomAD exomes 0.00001.
gnomAD v4.1: 3 of 1,592,138 alleles (0.00019%); highest among the groups gnomAD compares: South Asian, 0.0023%; no homozygotes.

Submissions (3):

Myriad Genetics, Inc.
Classification: Benign for Hereditary pheochromocytoma and paraganglioma. Last evaluated: 2026-07-29. Review status: criteria provided, single submitter. Criteria: Myriad Autosomal Dominant, Autosomal Recessive and X-Linked Classification Criteria (2023). Collection method: clinical testing. Allele origin: unknown.
Comment: This variant is considered benign. This variant is a silent/synonymous amino acid change and it is not expected to impact splicing.

Ambry Genetics
Classification: Likely benign for Hereditary cancer-predisposing syndrome. Last evaluated: 2023-05-21. Review status: criteria provided, single submitter. Criteria: Ambry Variant Classification Scheme 2023. Collection method: clinical testing. Allele origin: germline.

Labcorp Genetics (formerly Invitae), Labcorp
Classification: Likely benign for Hereditary pheochromocytoma and paraganglioma. Last evaluated: 2020-03-09. Review status: criteria provided, single submitter. Criteria: Invitae Variant Classification Sherloc (09022015). Collection method: clinical testing. Allele origin: germline.